The following is an entry in ClinVar:

NM_004336.5(BUB1):c.3183C>G (p.His1061Gln)

Gene: BUB1 (BUB1 mitotic checkpoint serine/threonine kinase; minus strand). Cytogenetic location: 2q13.
Variant type: single nucleotide variant.
Coding change: c.3183C>G on transcript NM_004336.5 (MANE Select); coding-DNA position 3183, C replaced by G.
Protein change: p.His1061Gln; replaces histidine 1061 with glutamine.
Molecular consequence: missense variant.
Genome position (GRCh38, 1-based): chr2:110,638,039, G>C on the plus strand (C>G on the coding strand, the complement: BUB1 is on the minus strand). VCF-style: chr2-110638039-G-C. GRCh37 (hg19) VCF-style: chr2-111395616-G-C.
Other names: c.3123C>G, p.His1041Gln (NM_001278616.2); c.3012C>G, p.His1004Gln (NM_001278617.2); short protein forms H1004Q, H1041Q, H1061Q.
Identifiers: ClinVar variation 3483101 (VCV003483101.1).

ClinVar aggregate classification (germline): Uncertain significance (1 of 4 stars; one submission).

Submission:

Ambry Genetics
Classification: Uncertain significance. Last evaluated: 2024-11-05. Review status: criteria provided, single submitter. Criteria: Ambry Variant Classification Scheme 2023. Collection method: clinical testing. Allele origin: germline.
Comment: The p.H1061Q variant (also known as c.3183C>G), located in coding exon 25 of the BUB1 gene, results from a C to G substitution at nucleotide position 3183. The histidine at codon 1061 is replaced by glutamine, an amino acid with highly similar properties. This amino acid position is conserved. In addition, this alteration is predicted to be tolerated by in silico analysis. Based on the available evidence, the clinical significance of this variant remains unclear.